The following is an entry in ClinVar:

ClinVar aggregate classification (germline): not provided (0 of 4 stars; one submission).

Allele frequency attached by ClinVar (database versions not stated): gnomAD exomes 0.00004; gnomAD 0.00039 and 0.00041; TOPMed 0.00046.
gnomAD v4.1: 100 of 1,066,456 alleles (0.0094%); highest among the groups gnomAD compares: African/African-American, 0.13%; no homozygotes.

Submission:

Human Evolutionary Genetics, Institut Pasteur
No classification provided. Review status: no classification provided. Collection method: not provided. Allele origin: germline.
ClinVar note: Converted during submission from untested to not provided.

NM_001243133.2(NLRP3):c.397+139T>C

Gene: NLRP3 (NLR family pyrin domain containing 3; plus strand). Cytogenetic location: 1q44.
Variant type: single nucleotide variant.
Coding change: c.397+139T>C on transcript NM_001243133.2 (MANE Select); 139 bases into the intron after coding-DNA position 397, T replaced by C.
Molecular consequence: intron variant.
Genome position (GRCh38, 1-based): chr1:247,423,488, T>C. VCF-style: chr1-247423488-T-C. GRCh37 (hg19) VCF-style: chr1-247586790-T-C.
Other names: c.403+139T>C (NM_004895.5); c.397+139T>C (NM_001127461.3, NM_001127462.3, NM_183395.3 and 1 more transcripts).
Identifiers: ClinVar variation 103043 (VCV000103043.2), dbSNP rs199475731, ClinGen allele CA230010.